The following is an entry in ClinVar:

ClinVar aggregate classification (germline): Uncertain significance. Review status: criteria provided, multiple submitters, no conflicts (2 of 4 stars). 3 submissions from 3 submitters: Uncertain significance (3). Last evaluated 2025-01-13.

Conditions:
Inborn genetic diseases. Identifiers: MedGen C0950123, MeSH D030342.

gnomAD v4.1: 6 of 1,614,086 alleles (0.00037%); highest among the groups gnomAD compares: Non-Finnish European, 0.00051%; no homozygotes.

Submissions (3):

Ambry Genetics
Classification: Uncertain significance for Inborn genetic diseases. Last evaluated: 2025-01-13. Review status: criteria provided, single submitter. Criteria: Ambry Variant Classification Scheme 2023. Collection method: clinical testing. Allele origin: germline.
Comment: The p.I186F variant (also known as c.556A>T), located in coding exon 5 of the ETV6 gene, results from an A to T substitution at nucleotide position 556. The isoleucine at codon 186 is replaced by phenylalanine, an amino acid with highly similar properties. This amino acid position is conserved. In addition, this alteration is predicted to be tolerated by in silico analysis. Based on the available evidence, the clinical significance of this variant remains unclear.

Labcorp Genetics (formerly Invitae), Labcorp
Classification: Uncertain significance. Last evaluated: 2023-10-29. Review status: criteria provided, single submitter. Criteria: Invitae Variant Classification Sherloc (09022015). Collection method: clinical testing. Allele origin: germline.
Comment: This sequence change replaces isoleucine, which is neutral and non-polar, with phenylalanine, which is neutral and non-polar, at codon 186 of the ETV6 protein (p.Ile186Phe). This variant is not present in population databases (gnomAD no frequency). This variant has not been reported in the literature in individuals affected with ETV6-related conditions. Advanced modeling of protein sequence and biophysical properties (such as structural, functional, and spatial information, amino acid conservation, physicochemical variation, residue mobility, and thermodynamic stability) performed at Invitae indicates that this missense variant is not expected to disrupt ETV6 protein function with a negative predictive value of 80%. In summary, the available evidence is currently insufficient to determine the role of this variant in disease. Therefore, it has been classified as a Variant of Uncertain Significance.

Blueprint Genetics
Classification: Uncertain significance. Last evaluated: 2022-04-12. Review status: criteria provided, single submitter. Criteria: ACMG Guidelines, 2015. Collection method: clinical testing. Allele origin: germline.

NM_001987.5(ETV6):c.556A>T (p.Ile186Phe)

Gene: ETV6 (ETS variant transcription factor 6; plus strand). Cytogenetic location: 12p13.2.
Variant type: single nucleotide variant.
Coding change: c.556A>T on transcript NM_001987.5 (MANE Select); coding-DNA position 556, A replaced by T.
Protein change: p.Ile186Phe; replaces isoleucine 186 with phenylalanine.
Molecular consequence: missense variant.
Genome position (GRCh38, 1-based): chr12:11,869,516, A>T. VCF-style: chr12-11869516-A-T. GRCh37 (hg19) VCF-style: chr12-12022450-A-T.
Other names: c.553A>T, p.Ile185Phe (NM_001413913.1); c.529A>T, p.Ile177Phe (NM_001413914.1); c.292A>T, p.Ile98Phe (NM_001413915.1); c.556A>T, p.Ile186Phe (NM_001413916.1, NM_001413917.1); short protein forms I186F, I177F, I98F, I185F.
Identifiers: ClinVar variation 2888537 (VCV002888537.5), dbSNP rs372716250, ClinGen allele CA6454281.